The following is an entry in ClinVar:

NM_005120.3(MED12):c.4568G>A (p.Cys1523Tyr)

Gene: MED12 (mediator complex subunit 12; plus strand). Cytogenetic location: Xq13.1.
Variant type: single nucleotide variant.
Coding change: c.4568G>A on transcript NM_005120.3 (MANE Select); coding-DNA position 4568, G replaced by A.
Protein change: p.Cys1523Tyr; replaces cysteine 1523 with tyrosine.
Molecular consequence: missense variant.
Genome position (GRCh38, 1-based): chrX:71,133,163, G>A. VCF-style: chrX-71133163-G-A. GRCh37 (hg19) VCF-style: chrX-70353013-G-A.
Other names: short protein forms C1523Y.
Identifiers: ClinVar variation 2574423 (VCV002574423.1), dbSNP rs2519703249, ClinGen allele CA413528897.
Genomic context (GRCh38, chrX:71,133,163, plus strand): 5'-TTTATTTGTTTCTATTCTAGATTGTGAATAATTGGCGAGATGACCAGTACTTAGATGATT[G>A]CAAACCAAAGCAGCTTATGCATGAGGCACTCAAACTGCGGCTCAACCTGGTGAGAAGGCC-3'
Protein context (NP_005111.2, residues 1513-1533): NWRDDQYLDD[Cys1523Tyr]KPKQLMHEAL

ClinVar aggregate classification (germline): Uncertain significance (1 of 4 stars; one submission).

Submission:

GeneDx
Classification: Uncertain significance. Last evaluated: 2023-01-25. Review status: criteria provided, single submitter. Criteria: GeneDx Variant Classification Process June 2021. Collection method: clinical testing. Allele origin: germline. Affected: yes.
Comment: Not observed at significant frequency in large population cohorts (gnomAD); In silico analysis supports that this missense variant has a deleterious effect on protein structure/function; Has not been previously published as pathogenic or benign to our knowledge